The following is an entry in ClinVar:

ClinVar aggregate classification (germline): Uncertain significance. Review status: criteria provided, multiple submitters, no conflicts (2 of 4 stars). 2 submissions from 2 submitters: Uncertain significance (2). Last evaluated 2023-05-15.

Conditions:
Developmental and epileptic encephalopathy, 11 (DEE11). Also called: Early infantile epileptic encephalopathy 11. Identifiers: Orphanet 1934, MedGen C3150987, MONDO:0013388, OMIM 613721.
Seizures, benign familial infantile, 3 (BFIS3). Also called: CONVULSIONS, BENIGN FAMILIAL INFANTILE, 3; Familial neonatal seizures. Identifiers: Orphanet 140927, Orphanet 306, MedGen C1843140, MONDO:0011904, OMIM 607745.

Submissions (2):

Labcorp Genetics (formerly Invitae), Labcorp
Classification: Uncertain significance for Seizures, benign familial infantile, 3; Developmental and epileptic encephalopathy, 11. Last evaluated: 2023-05-15. Review status: criteria provided, single submitter. Criteria: Invitae Variant Classification Sherloc (09022015). Collection method: clinical testing. Allele origin: germline.
Comment: In summary, the available evidence is currently insufficient to determine the role of this variant in disease. Therefore, it has been classified as a Variant of Uncertain Significance. Advanced modeling of protein sequence and biophysical properties (such as structural, functional, and spatial information, amino acid conservation, physicochemical variation, residue mobility, and thermodynamic stability) performed at Invitae indicates that this missense variant is expected to disrupt SCN2A protein function. ClinVar contains an entry for this variant (Variation ID: 1321098). This variant has not been reported in the literature in individuals affected with SCN2A-related conditions. This variant is not present in population databases (gnomAD no frequency). This sequence change replaces glutamine, which is neutral and polar, with histidine, which is basic and polar, at codon 1531 of the SCN2A protein (p.Gln1531His).

GeneDx
Classification: Uncertain significance. Last evaluated: 2019-11-04. Review status: criteria provided, single submitter. Criteria: GeneDx Variant Classification Process June 2021. Collection method: clinical testing. Allele origin: germline. Affected: yes.
Comment: Has not been previously published as pathogenic or benign to our knowledge; Not observed in large population cohorts (Lek et al., 2016); This substitution is predicted to be within the intracellular loop between the third and the fourth homologous domain; In silico analysis, which includes protein predictors and evolutionary conservation, supports a deleterious effect; The majority of missense variants in this gene are considered pathogenic (Stenson et al., 2014)

NM_001040142.2(SCN2A):c.4593A>T (p.Gln1531His)

Gene: SCN2A (sodium voltage-gated channel alpha subunit 2; plus strand). Cytogenetic location: 2q24.3.
Variant type: single nucleotide variant.
Coding change: c.4593A>T on transcript NM_001040142.2 (MANE Select); coding-DNA position 4593, A replaced by T.
Protein change: p.Gln1531His; replaces glutamine 1531 with histidine.
Molecular consequence: missense variant.
Genome position (GRCh38, 1-based): chr2:165,386,787, A>T. VCF-style: chr2-165386787-A-T. GRCh37 (hg19) VCF-style: chr2-166243297-A-T.
Other names: c.4593A>T, p.Gln1531His (NM_001040143.2, NM_001371246.1, NM_001371247.1 and 1 more transcripts); short protein forms Q1531H.
Identifiers: ClinVar variation 1321098 (VCV001321098.5), dbSNP rs2105398231, ClinGen allele CA349036240.